The following is an entry in ClinVar:

NM_014244.5(ADAMTS2):c.311A>G (p.Glu104Gly)

Gene: ADAMTS2 (ADAM metallopeptidase with thrombospondin type 1 motif 2; minus strand). Cytogenetic location: 5q35.3.
Variant type: single nucleotide variant.
Coding change: c.311A>G on transcript NM_014244.5 (MANE Select); coding-DNA position 311, A replaced by G.
Protein change: p.Glu104Gly; replaces glutamic acid 104 with glycine.
Molecular consequence: missense variant.
Genome position (GRCh38, 1-based): chr5:179,343,990, T>C on the plus strand (A>G on the coding strand, the complement: ADAMTS2 is on the minus strand). VCF-style: chr5-179343990-T-C. GRCh37 (hg19) VCF-style: chr5-178770991-T-C.
Other names: c.311A>G, p.Glu104Gly (NM_021599.4); short protein forms E104G.
Identifiers: ClinVar variation 3702942 (VCV003702942.2).

ClinVar aggregate classification (germline): Uncertain significance (1 of 4 stars; one submission).

Conditions:
Ehlers-Danlos syndrome, dermatosparaxis type. Also called: EDS VIIC; Dermatosparaxis; Ehlers-Danlos syndrome, type VII, autosomal recessive. Identifiers: Orphanet 1901, MedGen C2700425, MONDO:0009161, OMIM 225410.

gnomAD v4.1: 3 of 1,612,534 alleles (0.00019%); highest among the groups gnomAD compares: African/African-American, 0.0027%; no homozygotes.

Submission:

Labcorp Genetics (formerly Invitae), Labcorp
Classification: Uncertain significance for Ehlers-Danlos syndrome, dermatosparaxis type. Last evaluated: 2024-12-10. Review status: criteria provided, single submitter. Criteria: Invitae Variant Classification Sherloc (09022015). Collection method: clinical testing. Allele origin: germline.
Comment: This sequence change replaces glutamic acid, which is acidic and polar, with glycine, which is neutral and non-polar, at codon 104 of the ADAMTS2 protein (p.Glu104Gly). This variant is not present in population databases (gnomAD no frequency). This variant has not been reported in the literature in individuals affected with ADAMTS2-related conditions. An algorithm developed to predict the effect of missense changes on protein structure and function (PolyPhen-2) suggests that this variant is likely to be tolerated. In summary, the available evidence is currently insufficient to determine the role of this variant in disease. Therefore, it has been classified as a Variant of Uncertain Significance.